The following is an entry in ClinVar:

NM_003611.3(OFD1):c.1513C>G (p.Gln505Glu)

Gene: OFD1 (OFD1 centriole and centriolar satellite protein; plus strand). Cytogenetic location: Xp22.2.
Variant type: single nucleotide variant.
Coding change: c.1513C>G on transcript NM_003611.3 (MANE Select); coding-DNA position 1513, C replaced by G.
Protein change: p.Gln505Glu; replaces glutamine 505 with glutamic acid.
Molecular consequence: missense variant.
Genome position (GRCh38, 1-based): chrX:13,757,761, C>G. VCF-style: chrX-13757761-C-G. GRCh37 (hg19) VCF-style: chrX-13775880-C-G.
Other names: c.1393C>G, p.Gln465Glu (NM_001330209.2); c.1093C>G, p.Gln365Glu (NM_001330210.2); short protein forms Q365E, Q465E, Q505E.
Identifiers: ClinVar variation 3368147 (VCV003368147.2).

ClinVar aggregate classification (germline): Uncertain significance (1 of 4 stars; one submission).

gnomAD v4.1: 1 of 1,208,822 alleles (0.000083%); highest among the groups gnomAD compares: African/African-American, 0.0018%; no homozygotes.

Submission:

GeneDx
Classification: Uncertain significance. Last evaluated: 2026-01-19. Review status: criteria provided, single submitter. Criteria: GeneDx Variant Classification Process June 2021. Collection method: clinical testing. Allele origin: germline.
Comment: In silico analysis supports that this missense variant does not alter protein structure/function; Has not been previously published as pathogenic or benign to our knowledge